The following is an entry in ClinVar:

ClinVar aggregate classification (germline): Likely benign. Review status: criteria provided, multiple submitters, no conflicts (2 of 4 stars). 4 submissions from 4 submitters: Likely benign (3). 1 of the submissions does not count toward it. Last evaluated 2026-01-24.

Conditions:
COL9A3-related disorder. Also called: COL9A3-related condition.

Allele frequency attached by ClinVar (database versions not stated): gnomAD 0.00012 and 0.00011; ESP Exome Variant Server 0.00015; gnomAD exomes 0.00015 and 0.00021; TOPMed 0.00009; ExAC 0.00018.
gnomAD v4.1: 321 of 1,613,150 alleles (0.02%); highest among the groups gnomAD compares: East Asian, 0.045%; no homozygotes.

Submissions (4):

Labcorp Genetics (formerly Invitae), Labcorp
Classification: Likely benign. Last evaluated: 2026-01-24. Review status: criteria provided, single submitter. Criteria: Invitae Variant Classification Sherloc (09022015). Collection method: clinical testing. Allele origin: germline.

Blueprint Genetics
Classification: Likely benign. Last evaluated: 2022-10-11. Review status: criteria provided, single submitter. Criteria: ACMG Guidelines, 2015. Collection method: clinical testing. Allele origin: germline.

GeneDx
Classification: Likely benign. Last evaluated: 2020-10-28. Review status: criteria provided, single submitter. Criteria: GeneDx Variant Classification Process June 2021. Collection method: clinical testing. Allele origin: germline. Affected: yes.

PreventionGenetics, part of Exact Sciences
Classification: Likely benign for COL9A3-related condition. Last evaluated: 2021-11-05. Review status: no assertion criteria provided. Collection method: clinical testing. Allele origin: germline. Not counted in ClinVar's aggregate classification.
Comment: This variant is classified as likely benign based on ACMG/AMP sequence variant interpretation guidelines (Richards et al. 2015 PMID: 25741868, with internal and published modifications).

NM_001853.4(COL9A3):c.1668C>T (p.Pro556=)

Gene: COL9A3 (collagen type IX alpha 3 chain; plus strand). Cytogenetic location: 20q13.33.
Variant type: single nucleotide variant.
Coding change: c.1668C>T on transcript NM_001853.4 (MANE Select); coding-DNA position 1668, C replaced by T.
Protein change: p.Pro556=; no amino-acid change (proline 556 retained).
Molecular consequence: synonymous variant.
Genome position (GRCh38, 1-based): chr20:62,837,147, C>T. VCF-style: chr20-62837147-C-T. GRCh37 (hg19) VCF-style: chr20-61468499-C-T.
Identifiers: ClinVar variation 1105165 (VCV001105165.14), dbSNP rs370134217, ClinGen allele CA9950139.